The following is an entry in ClinVar:

ClinVar aggregate classification (germline): Uncertain significance. Review status: criteria provided, multiple submitters, no conflicts (2 of 4 stars). 2 submissions from 2 submitters: Uncertain significance (2). Last evaluated 2024-10-30.

Conditions:
Autosomal dominant nonsyndromic hearing loss 1. Also called: KONIGSMARK SYNDROME; DEAFNESS, AUTOSOMAL DOMINANT 1, WITH OR WITHOUT THROMBOCYTOPENIA. Identifiers: Orphanet 90635, MedGen C1852282, MONDO:0007424, OMIM 124900.
Progressive microcephaly-seizures-cortical blindness-developmental delay syndrome. Also called: Seizures, cortical blindness, and microcephaly syndrome. Identifiers: Orphanet 477814, MedGen C5567650, MONDO:0014714, OMIM 616632.

Submissions (2):

Blueprint Genetics
Classification: Uncertain significance. Last evaluated: 2024-10-30. Review status: criteria provided, single submitter. Criteria: ACMG Guidelines, 2015. Collection method: clinical testing. Allele origin: germline.

Center for Genomics, Ann and Robert H. Lurie Children's Hospital of Chicago
Classification: Uncertain significance for Autosomal dominant nonsyndromic hearing loss 1; Progressive microcephaly-seizures-cortical blindness-developmental delay syndrome. Review status: criteria provided, single submitter. Criteria: ACMG Guidelines, 2015. Collection method: clinical testing. Allele origin: germline.
Comment: This variant has not been reported in the literature and is not present in large control databases. Evolutionary conservation and computational predictive tools for this variant are limited or unavailable. This variant represents an in-frame deletion of 7 Proline amino acids at position 614 within a repetitive string of Prolines and is not predicted to alter the reading frame. However, the effect of this variant on the protein is unclear. In summary, data on this variant is insufficient for disease classification. Therefore, the clinical significance of this variant is uncertain.

NM_005219.5(DIAPH1):c.1821TCC[4] (p.Pro614_Pro620del)

Gene: DIAPH1 (diaphanous related formin 1; minus strand). Cytogenetic location: 5q31.3.
Variant type: Microsatellite.
Coding change: c.1821TCC[4] on transcript NM_005219.5 (MANE Select); four copies in a row of the 3-base unit TCC starting at c.1821; the reference has 11 copies in a row; seven copies, 21 bases deleted.
Protein change: p.Pro614_Pro620del.
Molecular consequence: inframe deletion.
Genome position (GRCh38, 1-based): chr5:141,573,997-141,574,017, GGAGGAGGAGGAGGAGGAGGA deleted on the plus strand (TCCTCCTCCTCCTCCTCCTCC on the coding strand, the reverse complement: DIAPH1 is on the minus strand); deleting any 21 consecutive bases within chr5:141,573,997-141,574,030 gives the same sequence; the position shown is the placement nearest the transcript's 3' end. VCF-style (leftmost placement, unchanged base first): chr5-141573996-TGGAGGAGGAGGAGGAGGAGGA-T. GRCh37 (hg19) VCF-style: chr5-140953563-TGGAGGAGGAGGAGGAGGAGGA-T.
Other names: c.1794TCC[4], p.Pro605_Pro611del (NM_001079812.3); c.1821TCC[4], p.Pro614_Pro620del (NM_001314007.2).
Identifiers: ClinVar variation 1675164 (VCV001675164.4), dbSNP rs3075570, ClinGen allele CA804796990.
Genomic context (GRCh38, chr5:141,573,996, plus strand): 5'-AGCAGTACCTCCAGGTAAAGAAGGGGGTGAGGAGATGCAAACACCCCCAGGCAAAGGAGG[TGGAGGAGGAGGAGGAGGAGGA>T]GGAGGAGGAGGAGTGGTACTATCCCCAGGAGCAGGTGGTGGTGGAATAATAGTGCCAGAG-3'